The following is an entry in ClinVar:

NM_000173.7(GP1BA):c.1535T>A (p.Leu512Ter)

Gene: GP1BA (glycoprotein Ib platelet subunit alpha; plus strand). Cytogenetic location: 17p13.2.
Variant type: single nucleotide variant.
Coding change: c.1535T>A on transcript NM_000173.7 (MANE Select); coding-DNA position 1535, T replaced by A.
Protein change: p.Leu512Ter; replaces leucine 512 with a stop codon.
Molecular consequence: nonsense.
Genome position (GRCh38, 1-based): chr17:4,934,139, T>A. VCF-style: chr17-4934139-T-A. GRCh37 (hg19) VCF-style: chr17-4837434-T-A.
Other names: short protein forms L512*.
Identifiers: ClinVar variation 3772487 (VCV003772487.13).

ClinVar aggregate classification (germline): Likely pathogenic (1 of 4 stars; one submission).

Submission:

CeGaT Center for Human Genetics Tuebingen
Classification: Likely pathogenic. Last evaluated: 2025-03-01. Review status: criteria provided, single submitter. Criteria: CeGaT Center For Human Genetics Tuebingen Variant Classification Criteria Version 2. Collection method: clinical testing. Allele origin: germline. Affected: yes. Observed: 1 variant allele.
Comment: GP1BA: PVS1:Strong, PM2